The following is an entry in ClinVar:

NM_001129.5(AEBP1):c.1716+10A>C

Gene: AEBP1 (AE binding protein 1; plus strand). Cytogenetic location: 7p13.
Variant type: single nucleotide variant.
Coding change: c.1716+10A>C on transcript NM_001129.5 (MANE Select); 10 bases into the intron after coding-DNA position 1716, A replaced by C.
Molecular consequence: intron variant.
Genome position (GRCh38, 1-based): chr7:44,111,249, A>C. VCF-style: chr7-44111249-A-C. GRCh37 (hg19) VCF-style: chr7-44150848-A-C.
Other names: c.1716+10A>C (NM_001129.4).
Identifiers: ClinVar variation 2164868 (VCV002164868.6), dbSNP rs202188448, ClinGen allele CA157881197.

ClinVar aggregate classification (germline): Likely benign. Review status: criteria provided, single submitter (1 of 4 stars). 2 submissions from 2 submitters: Likely benign (1). 1 of the submissions does not count toward it. Last evaluated 2025-06-03.

Conditions:
AEBP1-related disorder. Also called: AEBP1-related condition.

Allele frequency attached by ClinVar (database versions not stated): gnomAD 0.00001; gnomAD exomes 0.00005; 1000 Genomes Project 30x 0.00016; 1000 Genomes Project 0.00020.

Submissions (2):

Labcorp Genetics (formerly Invitae), Labcorp
Classification: Likely benign. Last evaluated: 2025-06-03. Review status: criteria provided, single submitter. Criteria: Invitae Variant Classification Sherloc (09022015). Collection method: clinical testing. Allele origin: germline.

PreventionGenetics, part of Exact Sciences
Classification: Likely benign for AEBP1-related condition. Last evaluated: 2020-06-30. Review status: no assertion criteria provided. Collection method: clinical testing. Allele origin: germline. Not counted in ClinVar's aggregate classification.
Comment: This variant is classified as likely benign based on ACMG/AMP sequence variant interpretation guidelines (Richards et al. 2015 PMID: 25741868, with internal and published modifications).